The following is an entry in ClinVar:

NM_024753.5(TTC21B):c.1775T>C (p.Leu592Ser)

Gene: TTC21B (tetratricopeptide repeat domain 21B; minus strand). Cytogenetic location: 2q24.3.
Variant type: single nucleotide variant.
Coding change: c.1775T>C on transcript NM_024753.5 (MANE Select); coding-DNA position 1775, T replaced by C.
Protein change: p.Leu592Ser; replaces leucine 592 with serine.
Molecular consequence: missense variant.
Genome position (GRCh38, 1-based): chr2:165,917,381, A>G on the plus strand (T>C on the coding strand, the complement: TTC21B is on the minus strand). VCF-style: chr2-165917381-A-G. GRCh37 (hg19) VCF-style: chr2-166773891-A-G.
Other names: short protein forms L592S.
Identifiers: ClinVar variation 988174 (VCV000988174.1), dbSNP rs1412135409, ClinGen allele CA349060186.

ClinVar aggregate classification (germline): Uncertain significance (0 of 4 stars; one submission).

Conditions:
Nephrotic syndrome. Identifiers: MedGen C0027726, MONDO:0005377, HP:0000100.

Allele frequency attached by ClinVar (database versions not stated): gnomAD 0.00001; gnomAD exomes below 0.00001; TOPMed 0.00002.
gnomAD v4.1: 2 of 1,614,032 alleles (0.00012%); highest among the groups gnomAD compares: Admixed American, 0.0033%; no homozygotes.

Submission:

Sydney Genome Diagnostics, Children's Hospital Westmead
Classification: Uncertain significance for Nephrotic syndrome. Last evaluated: 2019-12-20. Review status: no assertion criteria provided. Collection method: clinical testing. Allele origin: unknown. Affected: yes. Observed: 1 variant allele, 1 heterozygote.
Comment: To our knowledge, this variant has not been previously reported in the literature or any disease specific databases to be a disease causing variant. This variant has been reported in the gnomAD browser in a single individual (allele frequency of 0.002%: 1 out of 34,588 alleles). In silico analysis of pathogenicity (through Alamut Visual v2.13) using PolyPhen2, SIFT and MutationTaster all suggest that this variant is likely to be pathogenic. This variant is considered to be a variant of uncertain clinical significance (VOUS) according to the ACMG guidelines (Evidence used PM2, PP3).